The following is an entry in ClinVar:

ClinVar aggregate classification (germline): Uncertain significance (1 of 4 stars; one submission).

Conditions:
Pitt-Hopkins syndrome (PTHS). Also called: ENCEPHALOPATHY, SEVERE EPILEPTIC, WITH AUTONOMIC DYSFUNCTION; MENTAL RETARDATION, SYNDROMAL, WITH INTERMITTENT HYPERVENTILATION. Identifiers: Orphanet 2896, MedGen C1970431, MONDO:0012589, OMIM 610954.

Submission:

Labcorp Genetics (formerly Invitae), Labcorp
Classification: Uncertain significance for Pitt-Hopkins syndrome. Last evaluated: 2023-11-04. Review status: criteria provided, single submitter. Criteria: Invitae Variant Classification Sherloc (09022015). Collection method: clinical testing. Allele origin: germline.
Comment: This sequence change replaces valine, which is neutral and non-polar, with leucine, which is neutral and non-polar, at codon 474 of the TCF4 protein (p.Val474Leu). This variant is not present in population databases (gnomAD no frequency). This variant has not been reported in the literature in individuals affected with TCF4-related conditions. Advanced modeling of protein sequence and biophysical properties (such as structural, functional, and spatial information, amino acid conservation, physicochemical variation, residue mobility, and thermodynamic stability) performed at Invitae indicates that this missense variant is not expected to disrupt TCF4 protein function with a negative predictive value of 95%. In summary, the available evidence is currently insufficient to determine the role of this variant in disease. Therefore, it has been classified as a Variant of Uncertain Significance.

NM_001083962.2(TCF4):c.1420G>C (p.Val474Leu)

Gene: TCF4 (transcription factor 4; minus strand). Cytogenetic location: 18q21.2.
Variant type: single nucleotide variant.
Coding change: c.1420G>C on transcript NM_001083962.2 (MANE Select); coding-DNA position 1420, G replaced by C.
Protein change: p.Val474Leu; replaces valine 474 with leucine.
Molecular consequence: missense variant.
Genome position (GRCh38, 1-based): chr18:55,234,614, C>G on the plus strand (G>C on the coding strand, the complement: TCF4 is on the minus strand). VCF-style: chr18-55234614-C-G. GRCh37 (hg19) VCF-style: chr18-52901845-C-G.
Other names: c.1294G>C, p.Val432Leu (NM_001243231.2, NM_001348211.2); c.1207G>C, p.Val403Leu (NM_001243232.1, NM_001306208.1); c.1030G>C, p.Val344Leu (NM_001243233.2, NM_001330605.3, NM_001348212.2 and 1 more transcripts); c.940G>C, p.Val314Leu (NM_001243234.2, NM_001243235.2, NM_001243236.2 and 1 more transcripts); c.1348G>C, p.Val450Leu (NM_001306207.1, NM_001243227.2, NM_001348217.1 and 5 more transcripts); c.1417G>C, p.Val473Leu (NM_001330604.3, NM_001369569.1, NM_001369570.1 and 2 more transcripts); c.1726G>C, p.Val576Leu (NM_001243226.3); c.1438G>C, p.Val480Leu (NM_001243228.2); and 6 more; short protein forms V258L, V403L, V450L, V474L, V576L, V432L, V471L, V480L.
Identifiers: ClinVar variation 2693137 (VCV002693137.3), dbSNP rs1274036446, ClinGen allele CA402531832.